The following is an entry in ClinVar:

NM_016203.4(PRKAG2):c.590C>T (p.Pro197Leu)

Gene: PRKAG2 (protein kinase AMP-activated non-catalytic subunit gamma 2; minus strand). Cytogenetic location: 7q36.1.
Variant type: single nucleotide variant.
Coding change: c.590C>T on transcript NM_016203.4 (MANE Select); coding-DNA position 590, C replaced by T.
Protein change: p.Pro197Leu; replaces proline 197 with leucine.
Molecular consequence: missense variant.
Genome position (GRCh38, 1-based): chr7:151,675,514, G>A on the plus strand (C>T on the coding strand, the complement: PRKAG2 is on the minus strand). VCF-style: chr7-151675514-G-A. GRCh37 (hg19) VCF-style: chr7-151372600-G-A.
Other names: c.590C>T (NM_016203.3); c.458C>T, p.Pro153Leu (NM_001040633.2); c.218C>T, p.Pro73Leu (NM_001304527.2, NM_001363698.2); short protein forms P153L, P197L, P73L.
Identifiers: ClinVar variation 1284416 (VCV001284416.14), dbSNP rs368637364, ClinGen allele CA057595.

ClinVar aggregate classification (germline): Uncertain significance. Review status: criteria provided, multiple submitters, no conflicts (2 of 4 stars). 7 submissions from 7 submitters: Uncertain significance (5). 2 of the submissions do not count toward it. Last evaluated 2025-10-07.

Conditions:
Cardiovascular phenotype. Identifiers: MedGen CN230736.
Lethal congenital glycogen storage disease of heart. Also called: PHOSPHORYLASE KINASE DEFICIENCY OF HEART; GLYCOGEN STORAGE DISEASE OF HEART. Identifiers: Orphanet 439854, MedGen C1849813, MONDO:0009867, OMIM 261740.
Wolff-Parkinson-White pattern. Also called: Auriculoventricular accessory pathway syndrome; False bundle branch block syndrome; Anomalous ventricular excitation syndrome; WPW SYNDROME. Identifiers: MedGen C0043202, MONDO:0008685, OMIM 194200, HP:0001716.
Hypertrophic cardiomyopathy 6. Identifiers: MedGen C1833236, MONDO:0010946, OMIM 600858.
Hypertrophic cardiomyopathy. Also called: HYPERTROPHIC MYOCARDIOPATHY. Identifiers: Orphanet 217569, MedGen C0007194, MeSH D002312, MONDO:0005045, HP:0001639.
Cardiomyopathy (CMYO). Also called: Cardiomyopathies. Identifiers: Orphanet 167848, MedGen C0878544, MONDO:0004994, HP:0001638. Inheritance: Various modes of inheritance.

Allele frequency attached by ClinVar (database versions not stated): ExAC 0.00003; gnomAD 0.00003 and 0.00004.
gnomAD v4.1: 20 of 1,614,092 alleles (0.0012%); highest among the groups gnomAD compares: Non-Finnish European, 0.0014%; no homozygotes.

Submissions (7):

Labcorp Genetics (formerly Invitae), Labcorp
Classification: Uncertain significance for Lethal congenital glycogen storage disease of heart. Last evaluated: 2025-10-07. Review status: criteria provided, single submitter. Criteria: Invitae Variant Classification Sherloc (09022015). Collection method: clinical testing. Allele origin: germline.
Comment: This sequence change replaces proline, which is neutral and non-polar, with leucine, which is neutral and non-polar, at codon 197 of the PRKAG2 protein (p.Pro197Leu). This variant is present in population databases (rs368637364, gnomAD 0.02%). This missense change has been observed in individual(s) with clinical features of PRKAG2-related conditions (PMID: 30847666). ClinVar contains an entry for this variant (Variation ID: 1284416). Invitae Evidence Modeling of protein sequence and biophysical properties (such as structural, functional, and spatial information, amino acid conservation, physicochemical variation, residue mobility, and thermodynamic stability) indicates that this missense variant is not expected to disrupt PRKAG2 protein function with a negative predictive value of 95%. In summary, the available evidence is currently insufficient to determine the role of this variant in disease. Therefore, it has been classified as a Variant of Uncertain Significance.

All of Us Research Program, National Institutes of Health
Classification: Uncertain significance for Hypertrophic cardiomyopathy. Last evaluated: 2023-11-20. Review status: criteria provided, single submitter. Criteria: ACMG Guidelines, 2015. Collection method: clinical testing. Allele origin: germline. Inheritance: Autosomal dominant inheritance. Observed: 1 variant allele, 1 heterozygote.
Comment: This missense variant replaces proline with leucine at codon 197 of the PRKAG2 protein. Computational prediction suggests that this variant may not impact protein structure and function (internally defined REVEL score threshold <= 0.5, PMID: 27666373). To our knowledge, functional studies have not been reported for this variant. This variant has been reported in one individual affected with unknown arrhythmia (PMID: 30847666). This variant has been identified in 6/282860 chromosomes in the general population by the Genome Aggregation Database (gnomAD). The available evidence is insufficient to determine the role of this variant in disease conclusively. Therefore, this variant is classified as a Variant of Uncertain Significance.

This study involves interpretation of variants in research participants for the purpose of population health screening. Participant phenotype was not available at the time of variant classification. Additional details can be found in publication PMID: 35346344, PMCID: PMC8962531

Color Diagnostics, LLC DBA Color Health
Classification: Uncertain significance for Cardiomyopathy. Last evaluated: 2023-11-01. Review status: criteria provided, single submitter. Criteria: ACMG Guidelines, 2015. Collection method: clinical testing. Allele origin: germline.
Comment: This missense variant replaces proline with leucine at codon 197 of the PRKAG2 protein. Computational prediction suggests that this variant may not impact protein structure and function. To our knowledge, functional studies have not been reported for this variant. This variant has been reported in one individual affected with unknown arrhythmia (PMID: 30847666). This variant has been identified in 6/282860 chromosomes in the general population by the Genome Aggregation Database (gnomAD). The available evidence is insufficient to determine the role of this variant in disease conclusively. Therefore, this variant is classified as a Variant of Uncertain Significance.

Ambry Genetics
Classification: Uncertain significance for Cardiovascular phenotype. Last evaluated: 2022-11-10. Review status: criteria provided, single submitter. Criteria: Ambry Variant Classification Scheme 2023. Collection method: clinical testing. Allele origin: germline.
Comment: The p.P197L variant (also known as c.590C>T), located in coding exon 4 of the PRKAG2 gene, results from a C to T substitution at nucleotide position 590. The proline at codon 197 is replaced by leucine, an amino acid with similar properties. This variant was detected in a cardiomyopathy/arrhythmia genetic testing cohort; however, clinical details were limited, and additional cardiac variants were detected in some cases (van Lint FHM et al. Neth Heart J, 2019 Jun;27:304-309). This amino acid position is highly conserved in available vertebrate species. In addition, this alteration is predicted to be deleterious by in silico analysis. Since supporting evidence is limited at this time, the clinical significance of this alteration remains unclear.

Fulgent Genetics
Classification: Uncertain significance for Wolff-Parkinson-White pattern; Lethal congenital glycogen storage disease of heart; Hypertrophic cardiomyopathy 6. Last evaluated: 2021-11-14. Review status: criteria provided, single submitter. Criteria: ACMG Guidelines, 2015. Collection method: clinical testing. Allele origin: unknown.

Clinical Genetics DNA and cytogenetics Diagnostics Lab, Erasmus MC, Erasmus Medical Center
Classification: Uncertain significance. Review status: no assertion criteria provided. Collection method: clinical testing. Allele origin: germline. Affected: yes. Study: VKGL Data-share Consensus. Not counted in ClinVar's aggregate classification.

Clinical Genetics, Academic Medical Center
Classification: Uncertain significance. Review status: no assertion criteria provided. Collection method: clinical testing. Allele origin: germline. Affected: yes. Study: VKGL Data-share Consensus. Not counted in ClinVar's aggregate classification.

Literature cited by the submitters: PubMed 30847666 (cited by 4 submitters).